The following is an entry in ClinVar:

ClinVar aggregate classification (germline): Uncertain significance (1 of 4 stars; one submission).

Submission:

Labcorp Genetics (formerly Invitae), Labcorp
Classification: Uncertain significance. Last evaluated: 2025-01-27. Review status: criteria provided, single submitter. Criteria: Invitae Variant Classification Sherloc (09022015). Collection method: clinical testing. Allele origin: germline.
Comment: This sequence change replaces leucine, which is neutral and non-polar, with histidine, which is basic and polar, at codon 47 of the RTTN protein (p.Leu47His). This variant is not present in population databases (gnomAD no frequency). This variant has not been reported in the literature in individuals affected with RTTN-related conditions. ClinVar contains an entry for this variant (Variation ID: 1375485). Invitae Evidence Modeling of protein sequence and biophysical properties (such as structural, functional, and spatial information, amino acid conservation, physicochemical variation, residue mobility, and thermodynamic stability) indicates that this missense variant is not expected to disrupt RTTN protein function with a negative predictive value of 80%. In summary, the available evidence is currently insufficient to determine the role of this variant in disease. Therefore, it has been classified as a Variant of Uncertain Significance.

NM_173630.4(RTTN):c.140T>A (p.Leu47His)

Gene: RTTN (rotatin; minus strand). Cytogenetic location: 18q22.2.
Variant type: single nucleotide variant.
Coding change: c.140T>A on transcript NM_173630.4 (MANE Select); coding-DNA position 140, T replaced by A.
Protein change: p.Leu47His; replaces leucine 47 with histidine.
Molecular consequence: missense variant. On other transcripts: 5 prime UTR variant (1).
Genome position (GRCh38, 1-based): chr18:70,205,207, A>T on the plus strand (T>A on the coding strand, the complement: RTTN is on the minus strand). VCF-style: chr18-70205207-A-T. GRCh37 (hg19) VCF-style: chr18-67872443-A-T.
Other names: c.-2414T>A (NM_001318520.2); short protein forms L47H.
Identifiers: ClinVar variation 1375485 (VCV001375485.6), dbSNP rs1463558882, ClinGen allele CA402692958.